The following is an entry in ClinVar:

ClinVar aggregate classification (germline): Uncertain significance. Review status: criteria provided, multiple submitters, no conflicts (2 of 4 stars). 2 submissions from 2 submitters: Uncertain significance (2). Last evaluated 2022-08-19.

Conditions:
Eculizumab, poor response to. Identifiers: MedGen C3810402, OMIM 615749.
Complement component 5 deficiency. Also called: C5 DEFICIENCY. Identifiers: MedGen C0343047, MONDO:0012295, OMIM 609536.

Allele frequency attached by ClinVar (database versions not stated): gnomAD exomes 0.00001 and 0.00002; ExAC 0.00002; gnomAD 0.00005 and 0.00007; TOPMed 0.00007; ESP Exome Variant Server 0.00015; 1000 Genomes Project 30x 0.00016; 1000 Genomes Project 0.00020.
gnomAD v4.1: 20 of 1,613,960 alleles (0.0012%); highest among the groups gnomAD compares: African/African-American, 0.019%; no homozygotes.

Submissions (2):

Labcorp Genetics (formerly Invitae), Labcorp
Classification: Uncertain significance. Last evaluated: 2022-08-19. Review status: criteria provided, single submitter. Criteria: Invitae Variant Classification Sherloc (09022015). Collection method: clinical testing. Allele origin: germline.
Comment: This sequence change replaces isoleucine, which is neutral and non-polar, with threonine, which is neutral and polar, at codon 1402 of the C5 protein (p.Ile1402Thr). This variant is present in population databases (rs371503868, gnomAD 0.03%). This variant has not been reported in the literature in individuals affected with C5-related conditions. ClinVar contains an entry for this variant (Variation ID: 1446812). Algorithms developed to predict the effect of missense changes on protein structure and function are either unavailable or do not agree on the potential impact of this missense change (SIFT: "Tolerated"; PolyPhen-2: "Possibly Damaging"; Align-GVGD: "Class C0"). In summary, the available evidence is currently insufficient to determine the role of this variant in disease. Therefore, it has been classified as a Variant of Uncertain Significance.

Fulgent Genetics
Classification: Uncertain significance for Complement component 5 deficiency; Eculizumab, poor response to. Last evaluated: 2022-04-06. Review status: criteria provided, single submitter. Criteria: ACMG Guidelines, 2015. Collection method: clinical testing. Allele origin: unknown.

NM_001735.3(C5):c.4205T>C (p.Ile1402Thr)

Gene: C5 (complement C5; minus strand). Cytogenetic location: 9q33.2.
Variant type: single nucleotide variant.
Coding change: c.4205T>C on transcript NM_001735.3 (MANE Select); coding-DNA position 4205, T replaced by C.
Protein change: p.Ile1402Thr; replaces isoleucine 1402 with threonine.
Molecular consequence: missense variant.
Genome position (GRCh38, 1-based): chr9:120,969,076, A>G on the plus strand (T>C on the coding strand, the complement: C5 is on the minus strand). VCF-style: chr9-120969076-A-G. GRCh37 (hg19) VCF-style: chr9-123731354-A-G.
Other names: c.4223T>C, p.Ile1408Thr (NM_001317163.2); short protein forms I1408T, I1402T.
Identifiers: ClinVar variation 1446812 (VCV001446812.7), dbSNP rs371503868, ClinGen allele CA5217252.